The following is an entry in ClinVar:

NM_020699.4(GATAD2B):c.98A>C (p.Lys33Thr)

Gene: GATAD2B (GATA zinc finger domain containing 2B; minus strand). Cytogenetic location: 1q21.3.
Variant type: single nucleotide variant.
Coding change: c.98A>C on transcript NM_020699.4 (MANE Select); coding-DNA position 98, A replaced by C.
Protein change: p.Lys33Thr; replaces lysine 33 with threonine.
Molecular consequence: missense variant.
Genome position (GRCh38, 1-based): chr1:153,828,250, T>G on the plus strand (A>C on the coding strand, the complement: GATAD2B is on the minus strand). VCF-style: chr1-153828250-T-G. GRCh37 (hg19) VCF-style: chr1-153800726-T-G.
Other names: short protein forms K33T.
Identifiers: ClinVar variation 2763850 (VCV002763850.3), dbSNP rs1674951237, ClinGen allele CA342541615.

ClinVar aggregate classification (germline): Uncertain significance (1 of 4 stars; one submission).

Submission:

Labcorp Genetics (formerly Invitae), Labcorp
Classification: Uncertain significance. Last evaluated: 2023-09-27. Review status: criteria provided, single submitter. Criteria: Invitae Variant Classification Sherloc (09022015). Collection method: clinical testing. Allele origin: germline.
Comment: In summary, the available evidence is currently insufficient to determine the role of this variant in disease. Therefore, it has been classified as a Variant of Uncertain Significance. Advanced modeling of protein sequence and biophysical properties (such as structural, functional, and spatial information, amino acid conservation, physicochemical variation, residue mobility, and thermodynamic stability) performed at Invitae indicates that this missense variant is not expected to disrupt GATAD2B protein function. This variant has not been reported in the literature in individuals affected with GATAD2B-related conditions. This variant is not present in population databases (gnomAD no frequency). This sequence change replaces lysine, which is basic and polar, with threonine, which is neutral and polar, at codon 33 of the GATAD2B protein (p.Lys33Thr).